The following is an entry in ClinVar:

ClinVar aggregate classification (germline): Likely pathogenic (1 of 4 stars; one submission).

Conditions:
Dilated cardiomyopathy 1G (CMD1G). Identifiers: Orphanet 154, MedGen C1858763, MONDO:0011400, OMIM 604145.
Autosomal recessive limb-girdle muscular dystrophy type 2J (LGMDR10). Also called: Limb-girdle muscular dystrophy, type 2J; MUSCULAR DYSTROPHY, LIMB-GIRDLE, AUTOSOMAL RECESSIVE 10. Identifiers: Orphanet 140922, MedGen C1837342, MONDO:0012127, OMIM 608807.

Submission:

Labcorp Genetics (formerly Invitae), Labcorp
Classification: Likely pathogenic for Dilated cardiomyopathy 1G; Autosomal recessive limb-girdle muscular dystrophy type 2J. Last evaluated: 2023-12-06. Review status: criteria provided, single submitter. Criteria: Invitae Variant Classification Sherloc (09022015). Collection method: clinical testing. Allele origin: germline.
Comment: This sequence change creates a premature translational stop signal (p.Asn34179Lysfs*2) in the TTN gene. While this is not anticipated to result in nonsense mediated decay, it is expected to create a truncated TTN protein. This variant is not present in population databases (gnomAD no frequency). This premature translational stop signal has been observed in individual(s) with dilated cardiomyopathy (Invitae). This variant is located in the M band of TTN (PMID: 25589632). Truncating variants in this region have been previously reported in individuals affected with autosomal recessive myopathy and muscular dystrophy (PMID: 18948003, 23975875, 24395473). Truncating variants in this region have also been identified in individuals affected with autosomal dominant dilated cardiomyopathy and/or cardio-related conditions (PMID: 27869827, 32964742). In summary, the currently available evidence indicates that the variant is pathogenic, but additional data are needed to prove that conclusively. Therefore, this variant has been classified as Likely Pathogenic.

Literature cited by the submitters: PubMed 25589632; PubMed 18948003; PubMed 23975875; PubMed 24395473; PubMed 27869827; PubMed 32964742.

NM_001267550.2(TTN):c.102537_102538del (p.Asn34179fs)

Genes: TTN-AS1 (TTN antisense RNA 1; plus strand), TTN (titin; minus strand). Cytogenetic location: 2q31.2.
Variant type: Deletion.
Coding change: c.102537_102538del on transcript NM_001267550.2 (MANE Select); coding-DNA positions 102537 to 102538, 2 bases deleted (CA; older notation c.102537_102538delCA).
Protein change: p.Asn34179fs; shifts the reading frame from asparagine 34179.
Molecular consequence: frameshift variant.
Genome position (GRCh38, 1-based): chr2:178,534,077-178,534,078, TG deleted on the plus strand (CA on the coding strand, the reverse complement: TTN is on the minus strand); deleting any 2 consecutive bases within chr2:178,534,077-178,534,079 gives the same sequence; the c. name uses the placement nearest the transcript's 3' end. VCF-style (leftmost placement, unchanged base first): chr2-178534076-CTG-C. GRCh37 (hg19) VCF-style: chr2-179398803-CTG-C.
Other names: c.97614_97615del, p.Asn32538fs (NM_001256850.1); c.75342_75343del, p.Asn25114fs (NM_003319.4); c.94833_94834del, p.Asn31611fs (NM_133378.4); c.75717_75718del, p.Asn25239fs (NM_133432.3); c.75918_75919del, p.Asn25306fs (NM_133437.4); short protein forms N32538fs, N25306fs, N25239fs, N34179fs, N25114fs, N31611fs.
Identifiers: ClinVar variation 2947016 (VCV002947016.3), dbSNP rs2468520500, ClinGen allele CA2740095898.
Genomic context (GRCh38, chr2:178,534,076, plus strand): 5'-GTAATGTCTTTGACATAGAGGATGGCCACTCCATCTTCGTAGGTGATTTCGTATTTCTCA[CTG>C]TTCTCCAGCTGTCGGACGCCAAAGTACCAAGTCACTTGGGTAGACTGATCATAATTTTCA-3'